The following is an entry in ClinVar:

ClinVar aggregate classification (germline): Likely benign. Review status: criteria provided, multiple submitters, no conflicts (2 of 4 stars). 3 submissions from 3 submitters: Likely benign (3). Last evaluated 2023-08-01.

Allele frequency attached by ClinVar (database versions not stated): 1000 Genomes Project 0.00280; 1000 Genomes Project 30x 0.00281; gnomAD 0.00564; ExAC 0.00576; ESP Exome Variant Server 0.00577; gnomAD exomes 0.00590.
gnomAD v4.1: 10,738 of 1,609,496 alleles (0.67%); highest among the groups gnomAD compares: Non-Finnish European, 0.73%; 58 homozygotes.

Submissions (3):

CeGaT Center for Human Genetics Tuebingen
Classification: Likely benign. Last evaluated: 2023-08-01. Review status: criteria provided, single submitter. Criteria: CeGaT Center For Human Genetics Tuebingen Variant Classification Criteria Version 2. Collection method: clinical testing. Allele origin: germline. Affected: yes. Observed: 1 variant allele.
Comment: PHPT1: BS2

Labcorp Genetics (formerly Invitae), Labcorp
Classification: Likely benign. Last evaluated: 2018-08-13. Review status: criteria provided, single submitter. Criteria: Invitae Variant Classification Sherloc (09022015). Collection method: clinical testing. Allele origin: germline.

Breakthrough Genomics
Classification: Likely benign. Review status: criteria provided, single submitter. Criteria: ACMG Guidelines, 2015. Collection method: not provided. Allele origin: germline. Inheritance: Unknown mechanism. Affected: yes.

NM_014172.6(PHPT1):c.117G>C (p.Glu39Asp)

Genes: PHPT1 (phosphohistidine phosphatase 1; plus strand), LOC130003047 (ATAC-STARR-seq lymphoblastoid active region 29329; plus strand). Cytogenetic location: 9q34.3.
Variant type: single nucleotide variant.
Coding change: c.117G>C on transcript NM_014172.6 (MANE Select); coding-DNA position 117, G replaced by C.
Protein change: p.Glu39Asp; replaces glutamic acid 39 with aspartic acid.
Molecular consequence: missense variant. On other transcripts: non-coding transcript variant (2).
Genome position (GRCh38, 1-based): chr9:136,849,547, G>C. VCF-style: chr9-136849547-G-C. GRCh37 (hg19) VCF-style: chr9-139743999-G-C.
Other names: c.117G>C, p.Glu39Asp (NM_001135861.3, NM_001287342.2, NM_001287343.2); short protein forms E39D.
Identifiers: ClinVar variation 777838 (VCV000777838.28), dbSNP rs149603224, ClinGen allele CA5347426.
Genomic context (GRCh38, chr9:136,849,547, plus strand): 5'-CTTCAAGTATGTGCTGATCCGAGTCCACTCGGCTCCCCGCTCCGGGGCTCCGGCTGCAGA[G>C]AGCAAGGAGATCGTGCGCGGCTACAAGTGGGCTGAGTACCATGGTGAGGGCGGGACCTGC-3'
Protein context (NP_054891.2, residues 29-49): SAPRSGAPAA[Glu39Asp]SKEIVRGYKW